The following is an entry in ClinVar:

ClinVar aggregate classification (germline): Likely benign. Review status: criteria provided, single submitter (1 of 4 stars). 2 submissions from 2 submitters: Likely benign (1). 1 of the submissions does not count toward it. Last evaluated 2025-10-17.

Conditions:
SOX11-related disorder. Also called: SOX11-related condition.

Allele frequency attached by ClinVar (database versions not stated): gnomAD exomes 0.00005 and 0.00012; 1000 Genomes Project 30x 0.00016; 1000 Genomes Project 0.00020; ExAC 0.00034; ESP Exome Variant Server 0.00037; TOPMed 0.00071.

Submissions (2):

Labcorp Genetics (formerly Invitae), Labcorp
Classification: Likely benign. Last evaluated: 2025-10-17. Review status: criteria provided, single submitter. Criteria: Invitae Variant Classification Sherloc (09022015). Collection method: clinical testing. Allele origin: germline.

PreventionGenetics, part of Exact Sciences
Classification: Likely benign for SOX11-related condition. Last evaluated: 2023-05-15. Review status: no assertion criteria provided. Collection method: clinical testing. Allele origin: germline. Not counted in ClinVar's aggregate classification.
Comment: This variant is classified as likely benign based on ACMG/AMP sequence variant interpretation guidelines (Richards et al. 2015 PMID: 25741868, with internal and published modifications).

NM_003108.4(SOX11):c.1185G>A (p.Val395=)

Gene: SOX11 (SRY-box transcription factor 11; plus strand). Cytogenetic location: 2p25.2.
Variant type: single nucleotide variant.
Coding change: c.1185G>A on transcript NM_003108.4 (MANE Select); coding-DNA position 1185, G replaced by A.
Protein change: p.Val395=; no amino-acid change (valine 395 retained).
Molecular consequence: synonymous variant.
Genome position (GRCh38, 1-based): chr2:5,693,906, G>A. VCF-style: chr2-5693906-G-A. GRCh37 (hg19) VCF-style: chr2-5834038-G-A.
Identifiers: ClinVar variation 732641 (VCV000732641.10), dbSNP rs373473887, ClinGen allele CA1517998.